The following is an entry in ClinVar:

ClinVar aggregate classification (germline): Benign/Likely benign. Review status: criteria provided, multiple submitters, no conflicts (2 of 4 stars). 2 submissions from 2 submitters: Benign (1); Likely benign (1). Last evaluated 2024-07-26.

Conditions:
Hereditary cancer-predisposing syndrome. Also called: Neoplastic Syndromes, Hereditary; Tumor predisposition; Hereditary Cancer Syndrome; Hereditary neoplastic syndrome. Identifiers: Orphanet 140162, MedGen C0027672, MeSH D009386, MONDO:0015356.
Familial cancer of breast. Also called: BREAST CANCER, FAMILIAL; Hereditary breast cancer; hereditary breast carcinoma. Identifiers: Orphanet 227535, MedGen C0346153, MONDO:0016419, OMIM 114480. Disease mechanism: loss of function.

Submissions (2):

Myriad Genetics, Inc.
Classification: Benign for Familial cancer of breast. Last evaluated: 2024-07-26. Review status: criteria provided, single submitter. Criteria: Myriad Autosomal Dominant, Autosomal Recessive and X-Linked Classification Criteria (2023). Collection method: clinical testing. Allele origin: unknown.
Comment: This variant is considered benign. This variant is a silent/synonymous amino acid change and it is not expected to impact splicing.

Color Diagnostics, LLC DBA Color Health
Classification: Likely benign for Hereditary cancer-predisposing syndrome. Last evaluated: 2019-12-11. Review status: criteria provided, single submitter. Criteria: ACMG Guidelines, 2015. Collection method: clinical testing. Allele origin: germline.

NM_000465.4(BARD1):c.1740A>G (p.Glu580=)

Gene: BARD1 (BRCA1 associated RING domain 1; minus strand). Cytogenetic location: 2q35.
Variant type: single nucleotide variant.
Coding change: c.1740A>G on transcript NM_000465.4 (MANE Select); coding-DNA position 1740, A replaced by G.
Protein change: p.Glu580=; no amino-acid change (glutamic acid 580 retained).
Molecular consequence: synonymous variant. On other transcripts: non-coding transcript variant (3), intron variant (1).
Genome position (GRCh38, 1-based): chr2:214,745,792, T>C on the plus strand (A>G on the coding strand, the complement: BARD1 is on the minus strand). VCF-style: chr2-214745792-T-C. GRCh37 (hg19) VCF-style: chr2-215610516-T-C.
Other names: c.1683A>G, p.Glu561= (NM_001282543.2); c.387A>G, p.Glu129= (NM_001282545.2); c.330A>G, p.Glu110= (NM_001282548.2); c.365-15284A>G (NM_001282549.2).
Identifiers: ClinVar variation 919561 (VCV000919561.3), dbSNP rs1693081657, ClinGen allele CA431145913.